The following is an entry in ClinVar:

NM_001365276.2(TNXB):c.3967C>G (p.Arg1323Gly)

Gene: TNXB (tenascin XB; minus strand). Cytogenetic location: 6p21.33.
Variant type: single nucleotide variant.
Coding change: c.3967C>G on transcript NM_001365276.2 (MANE Select); coding-DNA position 3967, C replaced by G.
Protein change: p.Arg1323Gly; replaces arginine 1323 with glycine.
Molecular consequence: missense variant.
Genome position (GRCh38, 1-based): chr6:32,081,443, G>C on the plus strand (C>G on the coding strand, the complement: TNXB is on the minus strand). VCF-style: chr6-32081443-G-C. GRCh37 (hg19) VCF-style: chr6-32049220-G-C.
Other names: c.3967C>G, p.Arg1323Gly (NM_019105.8); short protein forms R1323G.
Identifiers: ClinVar variation 1312149 (VCV001312149.4), dbSNP rs568613138, ClinGen allele CA363432215.

ClinVar aggregate classification (germline): Uncertain significance. Review status: criteria provided, multiple submitters, no conflicts (2 of 4 stars). 2 submissions from 2 submitters: Uncertain significance (2). Last evaluated 2020-08-13.

Conditions:
Cardiovascular phenotype. Identifiers: MedGen CN230736.

gnomAD v4.1: 2 of 1,577,846 alleles (0.00013%); highest among the groups gnomAD compares: Non-Finnish European, 0.00017%; no homozygotes.

Submissions (2):

Ambry Genetics
Classification: Uncertain significance for Cardiovascular phenotype. Last evaluated: 2020-08-13. Review status: criteria provided, single submitter. Criteria: Ambry Variant Classification Scheme 2023. Collection method: clinical testing. Allele origin: germline.
Comment: The p.R1323G variant (also known as c.3967C>G), located in coding exon 9 of the TNXB gene, results from a C to G substitution at nucleotide position 3967. The arginine at codon 1323 is replaced by glycine, an amino acid with dissimilar properties. This amino acid position is well conserved in available vertebrate species. In addition, this alteration is predicted to be tolerated by in silico analysis. Since supporting evidence is limited at this time, the clinical significance of this alteration remains unclear.

GeneDx
Classification: Uncertain significance. Last evaluated: 2019-09-10. Review status: criteria provided, single submitter. Criteria: GeneDx Variant Classification Process June 2021. Collection method: clinical testing. Allele origin: germline. Affected: yes.
Comment: Has not been previously published as pathogenic or benign to our knowledge; Not observed in large population cohorts (Lek et al., 2016); In silico analysis, which includes protein predictors and evolutionary conservation, supports a deleterious effect